The following is an entry in ClinVar:

NM_015295.3(SMCHD1):c.5827C>G (p.Gln1943Glu)

Gene: SMCHD1 (structural maintenance of chromosomes flexible hinge domain containing 1; plus strand). Cytogenetic location: 18p11.32.
Variant type: single nucleotide variant.
Coding change: c.5827C>G on transcript NM_015295.3 (MANE Select); coding-DNA position 5827, C replaced by G.
Protein change: p.Gln1943Glu; replaces glutamine 1943 with glutamic acid.
Molecular consequence: missense variant.
Genome position (GRCh38, 1-based): chr18:2,796,056, C>G. VCF-style: chr18-2796056-C-G. GRCh37 (hg19) VCF-style: chr18-2796054-C-G.
Other names: short protein forms Q1943E.
Identifiers: ClinVar variation 4760271 (VCV004760271.1).

ClinVar aggregate classification (germline): Uncertain significance (1 of 4 stars; one submission).

Conditions:
Facioscapulohumeral muscular dystrophy 2 (FSHD2). Also called: MUSCULAR DYSTROPHY, FACIOSCAPULOHUMERAL, TYPE 1B; FACIOSCAPULOHUMERAL MUSCULAR DYSTROPHY 2, DIGENIC; FSHD2, DIGENIC. Identifiers: Orphanet 269, MedGen C1834671, MONDO:0008031, OMIM 158901.

Submission:

Labcorp Genetics (formerly Invitae), Labcorp
Classification: Uncertain significance for Facioscapulohumeral muscular dystrophy 2. Last evaluated: 2025-12-22. Review status: criteria provided, single submitter. Criteria: Invitae Variant Classification Sherloc (09022015). Collection method: clinical testing. Allele origin: germline.
Comment: This sequence change replaces glutamine, which is neutral and polar, with glutamic acid, which is acidic and polar, at codon 1943 of the SMCHD1 protein (p.Gln1943Glu). This variant is not present in population databases (gnomAD no frequency). This variant has not been reported in the literature in individuals affected with SMCHD1-related conditions. Invitae Evidence Modeling of protein sequence and biophysical properties (such as structural, functional, and spatial information, amino acid conservation, physicochemical variation, residue mobility, and thermodynamic stability) indicates that this missense variant is not expected to disrupt SMCHD1 protein function with a negative predictive value of 80%. In summary, the available evidence is currently insufficient to determine the role of this variant in disease. Therefore, it has been classified as a Variant of Uncertain Significance.